The following is an entry in ClinVar:

ClinVar aggregate classification (germline): Uncertain significance. Review status: criteria provided, multiple submitters, no conflicts (2 of 4 stars). 3 submissions from 3 submitters: Uncertain significance (3). Last evaluated 2025-12-15.

Conditions:
Charcot-Marie-Tooth disease type 2. Also called: Charcot-Marie-Tooth type 2. Identifiers: Orphanet 64746, MedGen C0270914, MONDO:0018993.

Allele frequency attached by ClinVar (database versions not stated): gnomAD 0.00001; gnomAD exomes 0.00001; ExAC 0.00002; TOPMed 0.00001.
gnomAD v4.1: 6 of 1,613,952 alleles (0.00037%); highest among the groups gnomAD compares: Non-Finnish European, 0.00042%; no homozygotes.

Submissions (3):

Ambry Genetics
Classification: Uncertain significance. Last evaluated: 2025-12-15. Review status: criteria provided, single submitter. Criteria: Ambry Variant Classification Scheme 2023. Collection method: clinical testing. Allele origin: germline.

Women's Health and Genetics/Laboratory Corporation of America, LabCorp
Classification: Uncertain significance. Last evaluated: 2023-10-25. Review status: criteria provided, single submitter. Criteria: LabCorp Variant Classification Summary - May 2015. Collection method: clinical testing. Allele origin: germline.
Comment: Variant summary: KIF1B c.2842G>T (p.Ala948Ser) results in a conservative amino acid change in the encoded protein sequence. Three of five in-silico tools predict a damaging effect of the variant on protein function. The variant allele was found at a frequency of 8e-06 in 251458 control chromosomes. The available data on variant occurrences in the general population are insufficient to allow any conclusion about variant significance. To our knowledge, no occurrence of c.2842G>T in individuals affected with KIF1B-Related Disorders and no experimental evidence demonstrating its impact on protein function have been reported. Two submitters have cited clinical-significance assessments for this variant to ClinVar after 2014. Both submitters classified the variant as uncertain significance. Based on the evidence outlined above, the variant was classified as uncertain significance.

Labcorp Genetics (formerly Invitae), Labcorp
Classification: Uncertain significance for Charcot-Marie-Tooth disease type 2. Last evaluated: 2023-08-05. Review status: criteria provided, single submitter. Criteria: Invitae Variant Classification Sherloc (09022015). Collection method: clinical testing. Allele origin: germline.
Comment: Advanced modeling of protein sequence and biophysical properties (such as structural, functional, and spatial information, amino acid conservation, physicochemical variation, residue mobility, and thermodynamic stability) performed at Invitae indicates that this missense variant is not expected to disrupt KIF1B protein function. ClinVar contains an entry for this variant (Variation ID: 1796737). This variant has not been reported in the literature in individuals affected with KIF1B-related conditions. This variant is present in population databases (rs760646785, gnomAD 0.002%). This sequence change replaces alanine, which is neutral and non-polar, with serine, which is neutral and polar, at codon 948 of the KIF1B protein (p.Ala948Ser). In summary, the available evidence is currently insufficient to determine the role of this variant in disease. Therefore, it has been classified as a Variant of Uncertain Significance.

NM_001365951.3(KIF1B):c.2980G>T (p.Ala994Ser)

Gene: KIF1B (kinesin family member 1B; plus strand). Cytogenetic location: 1p36.22.
Variant type: single nucleotide variant.
Coding change: c.2980G>T on transcript NM_001365951.3 (MANE Select); coding-DNA position 2980, G replaced by T.
Protein change: p.Ala994Ser; replaces alanine 994 with serine.
Molecular consequence: missense variant.
Genome position (GRCh38, 1-based): chr1:10,334,575, G>T. VCF-style: chr1-10334575-G-T. GRCh37 (hg19) VCF-style: chr1-10394633-G-T.
Other names: c.2980G>T, p.Ala994Ser (NM_001365952.1); c.2842G>T, p.Ala948Ser (NM_015074.3); short protein forms A948S, A994S.
Identifiers: ClinVar variation 1796737 (VCV001796737.11), dbSNP rs760646785, ClinGen allele CA581658.